The following is an entry in ClinVar:

NM_015386.3(COG4):c.1797C>A (p.Ala599=)

Gene: COG4 (component of oligomeric golgi complex 4; minus strand). Cytogenetic location: 16q22.1.
Variant type: single nucleotide variant.
Coding change: c.1797C>A on transcript NM_015386.3 (MANE Select); coding-DNA position 1797, C replaced by A.
Protein change: p.Ala599=; no amino-acid change (alanine 599 retained).
Molecular consequence: synonymous variant. On other transcripts: non-coding transcript variant (1).
Genome position (GRCh38, 1-based): chr16:70,483,883, G>T on the plus strand (C>A on the coding strand, the complement: COG4 is on the minus strand). VCF-style: chr16-70483883-G-T. GRCh37 (hg19) VCF-style: chr16-70517786-G-T.
Other names: c.1722C>A, p.Ala574= (NM_001195139.2); c.1371C>A, p.Ala457= (NM_001365426.1).
Identifiers: ClinVar variation 4988933 (VCV004988933.1).

ClinVar aggregate classification (germline): Likely benign (1 of 4 stars; one submission).

Conditions:
COG4-related disorder. Also called: COG4-related condition.

gnomAD v4.1: 3 of 1,613,404 alleles (0.00019%); highest among the groups gnomAD compares: Non-Finnish European, 0.00025%; no homozygotes.

Submission:

PreventionGenetics, part of Exact Sciences
Classification: Likely benign for COG4-related condition. Last evaluated: 2025-04-29. Review status: criteria provided, single submitter. Criteria: ACMG Guidelines, 2015. Collection method: clinical testing. Allele origin: germline.
Comment: This variant is classified as likely benign based on ACMG/AMP sequence variant interpretation guidelines (Richards et al. 2015 PMID: 25741868, with internal and published modifications).